The following is an entry in ClinVar:

ClinVar aggregate classification (germline): Uncertain significance. Review status: criteria provided, multiple submitters, no conflicts (2 of 4 stars). 5 submissions from 5 submitters: Uncertain significance (4). 1 of the submissions does not count toward it. Last evaluated 2025-12-19.

Conditions:
Cardiovascular phenotype. Identifiers: MedGen CN230736.
CACNB2-related disorder. Also called: CACNB2-related condition.
Brugada syndrome. Also called: Sudden unexplained nocturnal death syndrome; Sudden unexpected nocturnal death syndrome; Sudden Unexplained Death Syndrome; Sudden Unexplained Nocturnal Death Syndrome (SUNDS). Identifiers: Orphanet 130, MedGen C1142166, MONDO:0015263.
Brugada syndrome 4 (BRGDA4). Identifiers: Orphanet 130, MedGen C2678477, MONDO:0012743, OMIM 611876.

Allele frequency attached by ClinVar (database versions not stated): ExAC 0.00002; TOPMed 0.00004; gnomAD 0.00005 and 0.00006; gnomAD exomes 0.00005; ESP Exome Variant Server 0.00008.
gnomAD v4.1: 96 of 1,613,402 alleles (0.006%); highest among the groups gnomAD compares: Non-Finnish European, 0.0075%; no homozygotes.

Submissions (5):

PreventionGenetics, part of Exact Sciences
Classification: Uncertain significance for CACNB2-related condition. Last evaluated: 2025-12-19. Review status: criteria provided, single submitter. Criteria: ACMG Guidelines, 2015. Collection method: clinical testing. Allele origin: germline.
Comment: The CACNB2 c.1018G>A variant is predicted to result in the amino acid substitution p.Val340Ile. This variant has been reported in an individual with Brugada syndrome (Crotti et al. 2012. PubMed ID: 22840528) and has also been reported in variant classification studies (Referred to as c.1015G>A in the alternate transcript NM_00724.3 in supplementary table 1, Amendola et al. 2015. PubMed ID: 25637381; Supplementary table 1, Chen et al. 2019. PubMed ID: 30662450; Campuzano et al. 2019. PubMed ID: 30821013). This variant is reported in 0.011% of alleles in individuals of European (Non-Finnish) descent in gnomAD. At this time, the clinical significance of this variant is uncertain due to the absence of conclusive functional and genetic evidence.

Labcorp Genetics (formerly Invitae), Labcorp
Classification: Uncertain significance for Brugada syndrome 4. Last evaluated: 2025-07-30. Review status: criteria provided, single submitter. Criteria: Invitae Variant Classification Sherloc (09022015). Collection method: clinical testing. Allele origin: germline.
Comment: This sequence change replaces valine, which is neutral and non-polar, with isoleucine, which is neutral and non-polar, at codon 340 of the CACNB2 protein (p.Val340Ile). This variant is present in population databases (rs149793143, gnomAD 0.01%). This missense change has been observed in individual(s) with Brugada syndrome (PMID: 22840528). ClinVar contains an entry for this variant (Variation ID: 161214). Invitae Evidence Modeling of protein sequence and biophysical properties (such as structural, functional, and spatial information, amino acid conservation, physicochemical variation, residue mobility, and thermodynamic stability) indicates that this missense variant is expected to disrupt CACNB2 protein function with a positive predictive value of 80%. In summary, the available evidence is currently insufficient to determine the role of this variant in disease. Therefore, it has been classified as a Variant of Uncertain Significance.

Ambry Genetics
Classification: Uncertain significance for Cardiovascular phenotype. Last evaluated: 2022-09-12. Review status: criteria provided, single submitter. Criteria: Ambry Variant Classification Scheme 2023. Collection method: clinical testing. Allele origin: germline.
Comment: The p.V340I variant (also known as c.1018G>A), located in coding exon 10 of the CACNB2 gene, results from a G to A substitution at nucleotide position 1018. The valine at codon 340 is replaced by isoleucine, an amino acid with highly similar properties. This amino acid position is highly conserved in available vertebrate species. In addition, this alteration is predicted to be deleterious by in silico analysis. The evidence for this gene-disease relationship is limited; therefore, the clinical significance of this alteration is unclear.

Laboratory for Molecular Medicine, Mass General Brigham Personalized Medicine
Classification: Uncertain significance. Last evaluated: 2016-06-23. Review status: criteria provided, single submitter. Criteria: LMM Criteria. Collection method: clinical testing. Allele origin: germline.
Comment: Variant identified in a genome or exome case(s) and assessed due to predicted null impact of the variant or pathogenic assertions in the literature or databases. Disclaimer: This variant has not undergone full assessment. ClinVar: 1 VUS

CSER _CC_NCGL, University of Washington
Classification: Uncertain significance for Brugada syndrome. Last evaluated: 2014-06-01. Review status: no assertion criteria provided. Collection method: research. Allele origin: germline. Inheritance: Autosomal dominant inheritance. Study: ESP 6500 variant annotation. Not counted in ClinVar's aggregate classification.
Comment: Variants classified for the Actionable exomic incidental findings in 6503 participants: challenges of variant classification manuscript

Literature cited by the submitters: PubMed 22840528 (cited by Labcorp Genetics (formerly Invitae), Labcorp).

NM_201596.3(CACNB2):c.1180G>A (p.Val394Ile)

Gene: CACNB2 (calcium voltage-gated channel auxiliary subunit beta 2; plus strand). Cytogenetic location: 10p12.31.
Variant type: single nucleotide variant.
Coding change: c.1180G>A on transcript NM_201596.3 (MANE Select); coding-DNA position 1180, G replaced by A.
Protein change: p.Val394Ile; replaces valine 394 with isoleucine.
Molecular consequence: missense variant.
Genome position (GRCh38, 1-based): chr10:18,534,201, G>A. VCF-style: chr10-18534201-G-A. GRCh37 (hg19) VCF-style: chr10-18823130-G-A.
Other names: c.1015G>A, p.Val339Ile (NM_000724.4); c.982G>A, p.Val328Ile (NM_001167945.2); c.901G>A, p.Val301Ile (NM_001330060.2); c.1036G>A, p.Val346Ile (NM_201570.3); c.1096G>A, p.Val366Ile (NM_201571.4); c.1024G>A, p.Val342Ile (NM_201572.4); c.1018G>A, p.Val340Ile (NM_201590.3); c.1066G>A, p.Val356Ile (NM_201593.3); and 1 more; short protein forms V339I, V340I, V394I, V346I, V328I, V356I, V342I, V301I.
Identifiers: ClinVar variation 161214 (VCV000161214.12), dbSNP rs149793143, ClinGen allele CA272857.